The following is an entry in ClinVar:

NM_004990.4(MARS1):c.2613G>A (p.Ala871=)

Gene: MARS1 (methionyl-tRNA synthetase 1; plus strand). Cytogenetic location: 12q13.3.
Variant type: single nucleotide variant.
Coding change: c.2613G>A on transcript NM_004990.4 (MANE Select); coding-DNA position 2613, G replaced by A.
Protein change: p.Ala871=; no amino-acid change (alanine 871 retained).
Molecular consequence: synonymous variant.
Genome position (GRCh38, 1-based): chr12:57,516,491, G>A. VCF-style: chr12-57516491-G-A. GRCh37 (hg19) VCF-style: chr12-57910274-G-A.
Identifiers: ClinVar variation 475423 (VCV000475423.14), dbSNP rs373439522, ClinGen allele CA6650907.
Genomic context (GRCh38, chr12:57,516,491, plus strand): 5'-TTAGGGAAACATTGTCCGAGAACTGAAAGCACAAAAGGCAGACAAGAACGAGGTTGCTGC[G>A]GAGGTGGCGAAACTCTTGGATCTAAAGAAACAGTTGGCTGTAGCTGAGGGGAAACCCCCT-3'
Protein context (NP_004981.2, residues 861-881): AQKADKNEVA[Ala871=]EVAKLLDLKK

ClinVar aggregate classification (germline): Likely benign. Review status: criteria provided, multiple submitters, no conflicts (2 of 4 stars). 4 submissions from 4 submitters: Likely benign (4). Last evaluated 2026-08-20.

Conditions:
MARS1-related disorder. Also called: MARS1-related condition.
Severe early-onset pulmonary alveolar proteinosis due to MARS deficiency. Also called: PULMONARY ALVEOLAR PROTEINOSIS, REUNION ISLAND; Interstitial lung and liver disease. Identifiers: Orphanet 440427, MedGen C4225400, MONDO:0014206, OMIM 615486.
Charcot-Marie-Tooth disease axonal type 2U. Also called: CHARCOT-MARIE-TOOTH NEUROPATHY, TYPE 2U; CHARCOT-MARIE-TOOTH DISEASE, AXONAL, AUTOSOMAL DOMINANT, TYPE 2U. Identifiers: Orphanet 397735, MedGen C4084821, MONDO:0014566, OMIM 616280.

Allele frequency attached by ClinVar (database versions not stated): ExAC 0.00003; gnomAD exomes 0.00004 and 0.00008; gnomAD 0.00005 and 0.00006; ESP Exome Variant Server 0.00008; TOPMed 0.00009.
gnomAD v4.1: 123 of 1,613,774 alleles (0.0076%); highest among the groups gnomAD compares: Non-Finnish European, 0.0093%; no homozygotes.

Submissions (4):

PreventionGenetics, part of Exact Sciences
Classification: Likely benign for MARS1-related condition. Last evaluated: 2026-08-20. Review status: criteria provided, single submitter. Criteria: ACMG Guidelines, 2015. Collection method: clinical testing. Allele origin: germline.
Comment: This variant is classified as likely benign based on ACMG/AMP sequence variant interpretation guidelines (Richards et al. 2015 PMID: 25741868, with internal and published modifications).

Women's Health and Genetics/Laboratory Corporation of America, LabCorp
Classification: Likely benign. Last evaluated: 2025-02-05. Review status: criteria provided, single submitter. Criteria: LabCorp Variant Classification Summary - May 2015. Collection method: clinical testing. Allele origin: germline.
Comment: Variant summary: MARS1 c.2613G>A alters a conserved nucleotide resulting in a synonymous change. Consensus agreement among computation tools predict no significant impact on normal splicing. However, these predictions have yet to be confirmed by functional studies. The variant allele was found at a frequency of 4.2e-05 in 282548 control chromosomes. This frequency is not significantly higher than estimated for a pathogenic variant in MARS1 causing Severe early-onset pulmonary alveolar proteinosis due to MARS deficiency (4.2e-05 vs 0.0011), allowing no conclusion about variant significance. To our knowledge, no occurrence of c.2613G>A in individuals affected with Severe early-onset pulmonary alveolar proteinosis due to MARS deficiency and no experimental evidence demonstrating its impact on protein function have been reported. ClinVar contains an entry for this variant (Variation ID: 475423). Based on the evidence outlined above, the variant was classified as likely benign.

Labcorp Genetics (formerly Invitae), Labcorp
Classification: Likely benign for Charcot-Marie-Tooth disease axonal type 2U; Severe early-onset pulmonary alveolar proteinosis due to MARS deficiency. Last evaluated: 2025-01-08. Review status: criteria provided, single submitter. Criteria: Invitae Variant Classification Sherloc (09022015). Collection method: clinical testing. Allele origin: germline.

Ambry Genetics
Classification: Likely benign. Last evaluated: 2019-07-11. Review status: criteria provided, single submitter. Criteria: Ambry Variant Classification Scheme 2023. Collection method: clinical testing. Allele origin: germline.